The following is an entry in ClinVar:

NM_000255.4(MMUT):c.1112C>T (p.Ala371Val)

Gene: MMUT (methylmalonyl-CoA mutase; minus strand). Cytogenetic location: 6p12.3.
Variant type: single nucleotide variant.
Coding change: c.1112C>T on transcript NM_000255.4 (MANE Select); coding-DNA position 1112, C replaced by T.
Protein change: p.Ala371Val; replaces alanine 371 with valine.
Molecular consequence: missense variant.
Genome position (GRCh38, 1-based): chr6:49,451,686, G>A on the plus strand (C>T on the coding strand, the complement: MMUT is on the minus strand). VCF-style: chr6-49451686-G-A. GRCh37 (hg19) VCF-style: chr6-49419399-G-A.
Other names: short protein forms A371V.
Identifiers: ClinVar variation 2506735 (VCV002506735.1), dbSNP rs2481334626, ClinGen allele CA364399106.

ClinVar aggregate classification (germline): Uncertain significance (1 of 4 stars; one submission).

Submission:

GeneDx
Classification: Uncertain significance. Last evaluated: 2022-12-23. Review status: criteria provided, single submitter. Criteria: GeneDx Variant Classification Process June 2021. Collection method: clinical testing. Allele origin: germline. Affected: yes.
Comment: Has not been previously published as pathogenic or benign to our knowledge; Not observed at significant frequency in large population cohorts (gnomAD); In silico analysis supports that this missense variant does not alter protein structure/function